The following is an entry in ClinVar:

ClinVar aggregate classification (germline): Conflicting classifications of pathogenicity. Review status: criteria provided, conflicting classifications (1 of 4 stars). 4 submissions from 4 submitters: Uncertain significance (2); Likely benign (2). Last evaluated 2023-03-23.

Conditions:
Hereditary cancer-predisposing syndrome. Also called: Neoplastic Syndromes, Hereditary; Tumor predisposition; Hereditary Cancer Syndrome; Hereditary neoplastic syndrome. Identifiers: Orphanet 140162, MedGen C0027672, MeSH D009386, MONDO:0015356.
Hereditary breast ovarian cancer syndrome. Also called: BRCA1- and BRCA2-Associated Hereditary Breast and Ovarian Cancer; Hereditary breast and ovarian cancer syndrome; Hereditary breast and ovarian cancer; Hereditary breast and ovarian cancer syndrome (HBOC); Breast and ovarian cancer; Hereditary breast and/or ovarian cancer syndrome. Identifiers: Orphanet 145, MedGen C0677776, MeSH D061325, MONDO:0003582. Disease mechanism: loss of function.

Submissions (4):

University of Washington Department of Laboratory Medicine, University of Washington
Classification: Likely benign for Hereditary cancer-predisposing syndrome. Last evaluated: 2023-03-23. Review status: criteria provided, single submitter. Criteria: Dines et al. (Genet Med. 2020). Collection method: curation. Allele origin: germline.
Comment: Missense variant in a coldspot region where missense variants are very unlikely to be pathogenic (PMID:31911673).

BRCA1 coldspot (exon 11 using historical exon numbering). Reclassification based on statistical prior probability

Labcorp Genetics (formerly Invitae), Labcorp
Classification: Uncertain significance for Hereditary breast ovarian cancer syndrome. Last evaluated: 2021-10-01. Review status: criteria provided, single submitter. Criteria: Invitae Variant Classification Sherloc (09022015). Collection method: clinical testing. Allele origin: germline.
Comment: This variant is not present in population databases (ExAC no frequency). This sequence change replaces threonine with serine at codon 715 of the BRCA1 protein (p.Thr715Ser). The threonine residue is weakly conserved and there is a small physicochemical difference between threonine and serine. This variant has not been reported in the literature in individuals affected with BRCA1-related conditions. In summary, the available evidence is currently insufficient to determine the role of this variant in disease. Therefore, it has been classified as a Variant of Uncertain Significance. Advanced modeling of protein sequence and biophysical properties (such as structural, functional, and spatial information, amino acid conservation, physicochemical variation, residue mobility, and thermodynamic stability) performed at Invitae indicates that this missense variant is not expected to disrupt BRCA1 protein function. ClinVar contains an entry for this variant (Variation ID: 922509).

Ambry Genetics
Classification: Likely benign for Hereditary cancer-predisposing syndrome. Last evaluated: 2021-08-08. Review status: criteria provided, single submitter. Criteria: Ambry Variant Classification Scheme 2023. Collection method: clinical testing. Allele origin: germline.

Color Diagnostics, LLC DBA Color Health
Classification: Uncertain significance for Hereditary cancer-predisposing syndrome. Last evaluated: 2019-03-18. Review status: criteria provided, single submitter. Criteria: ACMG Guidelines, 2015. Collection method: clinical testing. Allele origin: germline.

NM_007294.4(BRCA1):c.2144C>G (p.Thr715Ser)

Gene: BRCA1 (BRCA1 DNA repair associated; minus strand). Cytogenetic location: 17q21.31.
Variant type: single nucleotide variant.
Coding change: c.2144C>G on transcript NM_007294.4 (MANE Select); coding-DNA position 2144, C replaced by G.
Protein change: p.Thr715Ser; replaces threonine 715 with serine.
Molecular consequence: missense variant. On other transcripts: intron variant (137).
Genome position (GRCh38, 1-based): chr17:43,093,387, G>C on the plus strand (C>G on the coding strand, the complement: BRCA1 is on the minus strand). VCF-style: chr17-43093387-G-C. GRCh37 (hg19) VCF-style: chr17-41245404-G-C.
Other names: c.1931C>G, p.Thr644Ser (NM_001407896.1, NM_001407897.1, NM_001407899.1 and 9 more transcripts); c.1934C>G, p.Thr645Ser (NM_001407906.1, NM_001407900.1, NM_001407902.1 and 13 more transcripts); c.2000C>G, p.Thr667Ser (NM_001407845.1, NM_001407846.1, NM_001407847.1 and 20 more transcripts); c.2003C>G, p.Thr668Ser (NM_001407850.1, NM_001407851.1, NM_001407852.1 and 29 more transcripts); c.2144C>G, p.Thr715Ser (NM_001407854.1, NM_001407858.1, NM_001407859.1 and 30 more transcripts); c.2141C>G, p.Thr714Ser (NM_001407860.1, NM_001407861.1, NM_001407587.1 and 22 more transcripts); c.1943C>G, p.Thr648Ser (NM_001407862.1); c.2021C>G, p.Thr674Ser (NM_001407863.1, NM_001407919.1, NM_001407937.1 and 19 more transcripts); and 41 more; short protein forms T715S, T668S, T604S, T644S, T667S, T674S, T712S, T419S.
Identifiers: ClinVar variation 922509 (VCV000922509.13), dbSNP rs2053817641, ClinGen allele CA10597716.